The following is an entry in ClinVar:

ClinVar aggregate classification (germline): Conflicting classifications of pathogenicity. Review status: criteria provided, conflicting classifications (1 of 4 stars). 3 submissions from 3 submitters: Pathogenic (1); Likely pathogenic (1); Uncertain significance (1). Last evaluated 2026-09-10.

Conditions:
TUBB2B-related disorder. Also called: TUBB2B-related condition.

Submissions (3):

GeneDx
Classification: Pathogenic. Last evaluated: 2026-09-10. Review status: criteria provided, single submitter. Criteria: GeneDx Variant Classification Process June 2021. Collection method: clinical testing. Allele origin: germline.
Comment: Not observed at significant frequency in large population cohorts (gnomAD); Missense variants in this gene are a common cause of disease and they are underrepresented in the general population; In silico analysis supports that this missense variant has a deleterious effect on protein structure/function; This variant is associated with the following publications: (PMID: 27010057, 33726816, 41080462, 41872443, 25326637)

Labcorp Genetics (formerly Invitae), Labcorp
Classification: Uncertain significance. Last evaluated: 2025-04-25. Review status: criteria provided, single submitter. Criteria: Invitae Variant Classification Sherloc (09022015). Collection method: clinical testing. Allele origin: germline.
Comment: This sequence change replaces glutamine, which is neutral and polar, with proline, which is neutral and non-polar, at codon 291 of the TUBB2B protein (p.Gln291Pro). This variant is not present in population databases (gnomAD no frequency). This variant has not been reported in the literature in individuals affected with TUBB2B-related conditions. ClinVar contains an entry for this variant (Variation ID: 3371508). Invitae Evidence Modeling of protein sequence and biophysical properties (such as structural, functional, and spatial information, amino acid conservation, physicochemical variation, residue mobility, and thermodynamic stability) indicates that this missense variant is expected to disrupt TUBB2B protein function with a positive predictive value of 80%. In summary, the available evidence is currently insufficient to determine the role of this variant in disease. Therefore, it has been classified as a Variant of Uncertain Significance.

Blueprint Genetics
Classification: Likely pathogenic for TUBB2B-related disorders. Last evaluated: 2023-05-08. Review status: criteria provided, single submitter. Criteria: ACMG Guidelines, 2015. Collection method: clinical testing. Allele origin: germline. Affected: yes. Observed: 1 variant allele.

NM_178012.5(TUBB2B):c.872A>C (p.Gln291Pro)

Gene: TUBB2B (tubulin beta 2B class IIb; minus strand). Cytogenetic location: 6p25.2.
Variant type: single nucleotide variant.
Coding change: c.872A>C on transcript NM_178012.5 (MANE Select); coding-DNA position 872, A replaced by C.
Protein change: p.Gln291Pro; replaces glutamine 291 with proline.
Molecular consequence: missense variant.
Genome position (GRCh38, 1-based): chr6:3,225,217, T>G on the plus strand (A>C on the coding strand, the complement: TUBB2B is on the minus strand). VCF-style: chr6-3225217-T-G. GRCh37 (hg19) VCF-style: chr6-3225451-T-G.
Other names: short protein forms Q291P.
Identifiers: ClinVar variation 3371508 (VCV003371508.3).